The following is an entry in ClinVar:

NM_001614.5(ACTG1):c.431C>T (p.Ala144Val)

Gene: ACTG1 (actin gamma 1; minus strand). Cytogenetic location: 17q25.3.
Variant type: single nucleotide variant.
Coding change: c.431C>T on transcript NM_001614.5 (MANE Select); coding-DNA position 431, C replaced by T.
Protein change: p.Ala144Val; replaces alanine 144 with valine.
Molecular consequence: missense variant. On other transcripts: non-coding transcript variant (1).
Genome position (GRCh38, 1-based): chr17:81,511,559, G>A on the plus strand (C>T on the coding strand, the complement: ACTG1 is on the minus strand). VCF-style: chr17-81511559-G-A. GRCh37 (hg19) VCF-style: chr17-79478585-G-A.
Other names: c.431C>T, p.Ala144Val (NM_001199954.3); short protein forms A144V.
Identifiers: ClinVar variation 1994494 (VCV001994494.4), dbSNP rs2544389679, ClinGen allele CA401461224.

ClinVar aggregate classification (germline): Likely pathogenic (1 of 4 stars; one submission).

Conditions:
Baraitser-winter syndrome 2. Identifiers: Orphanet 2995, MedGen C3281235, MONDO:0013812, OMIM 614583.
Autosomal dominant nonsyndromic hearing loss 20. Identifiers: Orphanet 90635, MedGen C1858172, MONDO:0011480, OMIM 604717.

Submission:

Labcorp Genetics (formerly Invitae), Labcorp
Classification: Likely pathogenic for Baraitser-winter syndrome 2; Autosomal dominant nonsyndromic hearing loss 20. Last evaluated: 2023-05-23. Review status: criteria provided, single submitter. Criteria: Invitae Variant Classification Sherloc (09022015). Collection method: clinical testing. Allele origin: germline.
Comment: ClinVar contains an entry for this variant (Variation ID: 1994494). In summary, the currently available evidence indicates that the variant is pathogenic, but additional data are needed to prove that conclusively. Therefore, this variant has been classified as Likely Pathogenic. Advanced modeling of protein sequence and biophysical properties (such as structural, functional, and spatial information, amino acid conservation, physicochemical variation, residue mobility, and thermodynamic stability) has been performed at Invitae for this missense variant, however the output from this modeling did not meet the statistical confidence thresholds required to predict the impact of this variant on ACTG1 protein function. This missense change has been observed in individual(s) with clinical features of Baraitser-Winter cerebrofrontofacial syndrome (Invitae). In at least one individual the variant was observed to be de novo. This variant is not present in population databases (gnomAD no frequency). This sequence change replaces alanine, which is neutral and non-polar, with valine, which is neutral and non-polar, at codon 144 of the ACTG1 protein (p.Ala144Val).